The following is an entry in ClinVar:

NM_005866.4(SIGMAR1):c.639G>A (p.Glu213=)

Gene: SIGMAR1 (sigma receptor chaperone 1; minus strand). Cytogenetic location: 9p13.3.
Variant type: single nucleotide variant.
Coding change: c.639G>A on transcript NM_005866.4 (MANE Select); coding-DNA position 639, G replaced by A.
Protein change: p.Glu213=; no amino-acid change (glutamic acid 213 retained).
Molecular consequence: synonymous variant. On other transcripts: 3 prime UTR variant (2), non-coding transcript variant (1), intron variant (1).
Genome position (GRCh38, 1-based): chr9:34,635,665, C>T on the plus strand (G>A on the coding strand, the complement: SIGMAR1 is on the minus strand). VCF-style: chr9-34635665-C-T. GRCh37 (hg19) VCF-style: chr9-34635662-C-T.
Other names: c.339G>A, p.Glu113= (NM_001282206.2); c.579G>A, p.Glu193= (NM_001282207.2); c.*182G>A (NM_001282208.2); c.*166G>A (NM_001282209.2); c.546G>A, p.Glu182= (NM_147157.3); c.446-25G>A (NM_001282205.2).
Identifiers: ClinVar variation 1539988 (VCV001539988.32), dbSNP rs779179488, ClinGen allele CA5035817.
Genomic context (GRCh38, chr9:34,635,665, plus strand): 5'-CGCAGGTCTTCCTTCAGGCCTGGCTGGTCAAGGGTCCTGGCCAAAGAGGTAGGTGGTGAG[C>T]TCAAGCCGGAGGCCCCGAGCATAGGAGCGAAGAGTATAGAAGAGGGTGAGGAAGTCCTGG-3'
Protein context (NP_005857.1, residues 203-223): LRSYARGLRL[Glu213=]LTTYLFGQDP

ClinVar aggregate classification (germline): Likely benign. Review status: criteria provided, multiple submitters, no conflicts (2 of 4 stars). 2 submissions from 2 submitters: Likely benign (2). Last evaluated 2023-10-01.

Conditions:
Amyotrophic lateral sclerosis type 16. Also called: AMYOTROPHIC LATERAL SCLEROSIS 16, JUVENILE. Identifiers: Orphanet 300605, MedGen C3280587, MONDO:0013715, OMIM 614373.
Autosomal recessive distal spinal muscular atrophy 2. Also called: Hereditary motor neuropathy, Jerash type; Motor neuropathy, distal, Jerash type; NEURONOPATHY, DISTAL HEREDITARY MOTOR, JERASH TYPE; NEUROPATHY, DISTAL HEREDITARY MOTOR, JERASH TYPE; SPINAL MUSCULAR ATROPHY, JERASH TYPE; NEUROPATHY, DISTAL HEREDITARY MOTOR, AUTOSOMAL RECESSIVE 2. Identifiers: Orphanet 139552, MedGen C1854023, MONDO:0011585, OMIM 605726.

Allele frequency attached by ClinVar (database versions not stated): TOPMed below 0.00001; ExAC 0.00001; gnomAD exomes 0.00001.

Submissions (2):

CeGaT Center for Human Genetics Tuebingen
Classification: Likely benign. Last evaluated: 2023-10-01. Review status: criteria provided, single submitter. Criteria: CeGaT Center For Human Genetics Tuebingen Variant Classification Criteria Version 2. Collection method: clinical testing. Allele origin: germline. Affected: yes. Observed: 1 variant allele.
Comment: SIGMAR1: BP4, BP7

Labcorp Genetics (formerly Invitae), Labcorp
Classification: Likely benign for Autosomal recessive distal spinal muscular atrophy 2; Amyotrophic lateral sclerosis type 16. Last evaluated: 2021-04-16. Review status: criteria provided, single submitter. Criteria: Invitae Variant Classification Sherloc (09022015). Collection method: clinical testing. Allele origin: germline.